The following is an entry in ClinVar:

ClinVar aggregate classification (germline): Likely pathogenic. Review status: criteria provided, multiple submitters, no conflicts (2 of 4 stars). 2 submissions from 2 submitters: Likely pathogenic (2). Last evaluated 2025-04-16.

Conditions:
Smith-Lemli-Opitz syndrome (SLOS). Also called: POLYDACTYLY, SEX REVERSAL, RENAL HYPOPLASIA, AND UNILOBAR LUNG; RSH SYNDROME; RUTLEDGE LETHAL MULTIPLE CONGENITAL ANOMALY SYNDROME; 7-Dehydrocholesterol reductase deficiency; LETHAL ACRODYSGENITAL SYNDROME. Identifiers: Orphanet 818, MedGen C0175694, MONDO:0010035, OMIM 270400.

Submissions (2):

Natera, Inc.
Classification: Likely pathogenic for Smith-Lemli-Opitz syndrome. Last evaluated: 2025-04-16. Review status: criteria provided, single submitter. Criteria: Natera Variant Classification Schema (03/2026). Collection method: clinical testing. Allele origin: germline.
Comment: The c.636delA variant in DHCR7 is a frameshift variant predicted to shift the reading frame beginning at codon 213 and leads to a stop codon 8 codons downstream. This variant is expected to result in nonsense mediated decay, truncation, or a dysfunctional protein product. This variant is rare in the general population with a frequency below the threshold expected for the associated phenotype(s). Given the available evidence, this variant is classified as Likely Pathogenic.

Fulgent Genetics
Classification: Likely pathogenic for Smith-Lemli-Opitz syndrome. Last evaluated: 2024-06-01. Review status: criteria provided, single submitter. Criteria: ACMG Guidelines, 2015. Collection method: clinical testing. Allele origin: germline.

NM_001360.3(DHCR7):c.636del (p.Gly213fs)

Gene: DHCR7 (7-dehydrocholesterol reductase; minus strand). Cytogenetic location: 11q13.4.
Variant type: Deletion.
Coding change: c.636del on transcript NM_001360.3 (MANE Select); coding-DNA position 636, one base deleted (A; older notation c.636delA).
Protein change: p.Gly213fs; shifts the reading frame from glycine 213.
Molecular consequence: frameshift variant.
Genome position (GRCh38, 1-based): chr11:71,439,074, T deleted on the plus strand (A on the coding strand, the reverse complement: DHCR7 is on the minus strand). VCF-style (leftmost placement, unchanged base first): chr11-71439073-CT-C. GRCh37 (hg19) VCF-style: chr11-71150119-CT-C.
Other names: c.636del, p.Gly213fs (NM_001425111.1, NM_001425112.1, NM_001425118.1 and 6 more transcripts); c.576del, p.Gly193fs (NM_001425113.1); c.540del, p.Gly181fs (NM_001425114.1, NM_001425116.1); c.462del, p.Gly155fs (NM_001425117.1); c.687del, p.Gly230fs (NM_001425107.1); c.672del, p.Gly225fs (NM_001425108.1); short protein forms G230fs, G155fs, G181fs, G193fs, G213fs, G225fs.
Identifiers: ClinVar variation 3573983 (VCV003573983.3).